The following is an entry in ClinVar:

ClinVar aggregate classification (germline): Uncertain significance (1 of 4 stars; one submission).

Conditions:
Neuroblastoma, susceptibility to, 3. Also called: ALK-Related Neuroblastic Tumor Susceptibility. Identifiers: Orphanet 635, MedGen C2751681, MONDO:0013083, OMIM 613014.

gnomAD v4.1: 1 of 1,614,164 alleles (0.000062%); highest among the groups gnomAD compares: Admixed American, 0.0017%; no homozygotes.

Submission:

Labcorp Genetics (formerly Invitae), Labcorp
Classification: Uncertain significance for Neuroblastoma, susceptibility to, 3. Last evaluated: 2021-10-27. Review status: criteria provided, single submitter. Criteria: Invitae Variant Classification Sherloc (09022015). Collection method: clinical testing. Allele origin: germline.
Comment: Algorithms developed to predict the effect of missense changes on protein structure and function are either unavailable or do not agree on the potential impact of this missense change (SIFT: "Deleterious"; PolyPhen-2: "Benign"; Align-GVGD: "Class C0"). This variant has not been reported in the literature in individuals affected with ALK-related conditions. This variant is present in population databases (no rsID available, gnomAD 0.003%). This sequence change replaces alanine, a(n) neutral and non-polar amino acid, with proline, a(n) neutral and non-polar amino acid, at codon 1553 of the ALK protein (p.Ala1553Pro). In summary, the available evidence is currently insufficient to determine the role of this variant in disease. Therefore, it has been classified as a Variant of Uncertain Significance.

NM_004304.5(ALK):c.4657G>C (p.Ala1553Pro)

Gene: ALK (ALK receptor tyrosine kinase; minus strand). Cytogenetic location: 2p23.2.
Variant type: single nucleotide variant.
Coding change: c.4657G>C on transcript NM_004304.5 (MANE Select); coding-DNA position 4657, G replaced by C.
Protein change: p.Ala1553Pro; replaces alanine 1553 with proline.
Molecular consequence: missense variant.
Genome position (GRCh38, 1-based): chr2:29,193,430, C>G on the plus strand (G>C on the coding strand, the complement: ALK is on the minus strand). VCF-style: chr2-29193430-C-G. GRCh37 (hg19) VCF-style: chr2-29416296-C-G.
Other names: c.1453G>C, p.Ala485Pro (NM_001353765.2); short protein forms A1553P, A485P.
Identifiers: ClinVar variation 1410049 (VCV001410049.6), dbSNP rs745390287, ClinGen allele CA346460515.